The following is an entry in ClinVar:

NM_001267550.2(TTN):c.100921C>T (p.His33641Tyr)

Genes: TTN (titin; minus strand), TTN-AS1 (TTN antisense RNA 1; plus strand). Cytogenetic location: 2q31.2.
Variant type: single nucleotide variant.
Coding change: c.100921C>T on transcript NM_001267550.2 (MANE Select); coding-DNA position 100921, C replaced by T.
Protein change: p.His33641Tyr; replaces histidine 33641 with tyrosine.
Molecular consequence: missense variant.
Genome position (GRCh38, 1-based): chr2:178,535,694, G>A on the plus strand (C>T on the coding strand, the complement: TTN is on the minus strand). VCF-style: chr2-178535694-G-A. GRCh37 (hg19) VCF-style: chr2-179400421-G-A.
Other names: c.95998C>T, p.His32000Tyr (NM_001256850.1); c.73726C>T, p.His24576Tyr (NM_003319.4); c.93217C>T, p.His31073Tyr (NM_133378.4); c.74101C>T, p.His24701Tyr (NM_133432.3); c.74302C>T, p.His24768Tyr (NM_133437.4); short protein forms H24701Y, H24576Y, H33641Y, H24768Y, H31073Y, H32000Y.
Identifiers: ClinVar variation 1367136 (VCV001367136.6), dbSNP rs1357251504, ClinGen allele CA349422424.

ClinVar aggregate classification (germline): Uncertain significance (1 of 4 stars; one submission).

Conditions:
Dilated cardiomyopathy 1G (CMD1G). Identifiers: Orphanet 154, MedGen C1858763, MONDO:0011400, OMIM 604145.
Autosomal recessive limb-girdle muscular dystrophy type 2J (LGMDR10). Also called: Limb-girdle muscular dystrophy, type 2J; MUSCULAR DYSTROPHY, LIMB-GIRDLE, AUTOSOMAL RECESSIVE 10. Identifiers: Orphanet 140922, MedGen C1837342, MONDO:0012127, OMIM 608807.

Allele frequency attached by ClinVar (database versions not stated): gnomAD exomes below 0.00001; TOPMed 0.00001.
gnomAD v4.1: 1 of 1,613,722 alleles (0.000062%); highest among the groups gnomAD compares: Admixed American, 0.0017%; no homozygotes.

Submission:

Labcorp Genetics (formerly Invitae), Labcorp
Classification: Uncertain significance for Dilated cardiomyopathy 1G; Autosomal recessive limb-girdle muscular dystrophy type 2J. Last evaluated: 2024-04-22. Review status: criteria provided, single submitter. Criteria: Invitae Variant Classification Sherloc (09022015). Collection method: clinical testing. Allele origin: germline.
Comment: This sequence change replaces histidine, which is basic and polar, with tyrosine, which is neutral and polar, at codon 33641 of the TTN protein (p.His33641Tyr). This variant is present in population databases (no rsID available, gnomAD 0.003%). This variant has not been reported in the literature in individuals affected with TTN-related conditions. ClinVar contains an entry for this variant (Variation ID: 1367136). Experimental studies and prediction algorithms are not available or were not evaluated, and the functional significance of this variant is currently unknown. This variant is located in the M band of TTN (PMID: 25589632). Non-truncating variants in this region may be relevant for neuromuscular disorders, but have not been definitively shown to cause cardiomyopathy (PMID: 23975875). In summary, the available evidence is currently insufficient to determine the role of this variant in disease. Therefore, it has been classified as a Variant of Uncertain Significance.

Literature cited by the submitters: PubMed 25589632; PubMed 23975875.